The following is an entry in ClinVar:

NM_002691.4(POLD1):c.871C>T (p.Leu291=)

Gene: POLD1 (DNA polymerase delta 1, catalytic subunit; plus strand). Cytogenetic location: 19q13.33.
Variant type: single nucleotide variant.
Coding change: c.871C>T on transcript NM_002691.4 (MANE Select); coding-DNA position 871, C replaced by T.
Protein change: p.Leu291=; no amino-acid change (leucine 291 retained).
Molecular consequence: synonymous variant. On other transcripts: non-coding transcript variant (1).
Genome position (GRCh38, 1-based): chr19:50,402,642, C>T. VCF-style: chr19-50402642-C-T. GRCh37 (hg19) VCF-style: chr19-50905899-C-T.
Other names: c.871C>T, p.Leu291= (NM_001256849.1, NM_001308632.1).
Identifiers: ClinVar variation 2890907 (VCV002890907.4), dbSNP rs2038698205, ClinGen allele CA508181861.
Genomic context (GRCh38, chr19:50,402,642, plus strand): 5'-CTGCCACCGCTGACCCACCCATGCCCACAGGCTACGCAGTGCCAGCTGGAGGCGGACGTG[C>T]TGTGGTCTGACGTGGTCAGTCACCCACCGGAAGGGCCATGGCAGCGCATTGCGCCCTTGC-3'
Protein context (NP_002682.2, residues 281-301): ATQCQLEADV[Leu291=]WSDVVSHPPE

ClinVar aggregate classification (germline): Benign/Likely benign. Review status: criteria provided, multiple submitters, no conflicts (2 of 4 stars). 2 submissions from 2 submitters: Benign (1); Likely benign (1). Last evaluated 2025-11-20.

Conditions:
POLD1-related polyposis and colorectal cancer syndrome (CRCS10). Also called: Colorectal cancer 10; COLORECTAL CANCER, SUSCEPTIBILITY TO, ON CHROMOSOME 19q; Colorectal cancer, susceptibility to, 10. Identifiers: Orphanet 220460, MedGen C2675481, MONDO:0012953, OMIM 612591.

Allele frequency attached by ClinVar (database versions not stated): TOPMed below 0.00001.

Submissions (2):

Labcorp Genetics (formerly Invitae), Labcorp
Classification: Likely benign for POLD1-related polyposis and colorectal cancer syndrome. Last evaluated: 2025-11-20. Review status: criteria provided, single submitter. Criteria: Invitae Variant Classification Sherloc (09022015). Collection method: clinical testing. Allele origin: germline.

Myriad Genetics, Inc.
Classification: Benign for POLD1-related polyposis and colorectal cancer syndrome. Last evaluated: 2025-02-05. Review status: criteria provided, single submitter. Criteria: Myriad Autosomal Dominant, Autosomal Recessive and X-Linked Classification Criteria (2023). Collection method: clinical testing. Allele origin: unknown.
Comment: This variant is considered benign. This variant is a silent/synonymous amino acid change and it is not expected to impact splicing.